The following is an entry in ClinVar:

NM_024740.2(ALG9):c.1109G>A (p.Arg370Lys)

Gene: ALG9 (ALG9 alpha-1,2-mannosyltransferase; minus strand). Cytogenetic location: 11q23.1.
Variant type: single nucleotide variant.
Coding change: c.1109G>A on transcript NM_024740.2 (MANE Select); coding-DNA position 1109, G replaced by A.
Protein change: p.Arg370Lys; replaces arginine 370 with lysine.
Molecular consequence: missense variant. On other transcripts: non-coding transcript variant (1).
Genome position (GRCh38, 1-based): chr11:111,840,719, C>T on the plus strand (G>A on the coding strand, the complement: ALG9 is on the minus strand). VCF-style: chr11-111840719-C-T. GRCh37 (hg19) VCF-style: chr11-111711442-C-T.
Other names: c.596G>A, p.Arg199Lys (NM_001352416.1, NM_001352419.1, NM_001352420.2 and 10 more transcripts); c.1109G>A, p.Arg370Lys (NM_001352417.1, NM_001077690.1); c.986G>A, p.Arg329Lys (NM_001352418.1); c.521G>A, p.Arg174Lys (NM_001352422.2); c.473G>A, p.Arg158Lys (NM_001352423.2); short protein forms R370K, R158K, R174K, R199K, R329K.
Identifiers: ClinVar variation 631493 (VCV000631493.3), dbSNP rs782464678, ClinGen allele CA6274489.

ClinVar aggregate classification (germline): Pathogenic (0 of 4 stars; one submission).

Conditions:
Polycystic kidney disease, adult type (PKD1). Also called: Polycystic Kidney Disease 1, Autosomal Dominant; Polycystic kidney disease 1; Polycystic kidney disease 1, severe; Polycystic Kidney, Autosomal Dominant; POLYCYSTIC KIDNEY DISEASE, ADULT, TYPE I; POLYCYSTIC KIDNEY DISEASE 1 WITH OR WITHOUT POLYCYSTIC LIVER DISEASE. Identifiers: MedGen C3149841, MONDO:0008263, OMIM 173900.
Autosomal dominant polycystic liver disease. Also called: Congenital cystic disease of liver; Polycystic liver disease. Identifiers: Orphanet 2924, MedGen C0158683, MONDO:0000447, HP:0006557.

Allele frequency attached by ClinVar (database versions not stated): gnomAD exomes below 0.00001; ExAC 0.00001.

Submission:

Stefan Somlo Laboratory, Yale School of Medicine
Classification: Pathogenic for Polycystic kidney disease, adult type; Polycystic liver disease. Last evaluated: 2019-05-17. Review status: no assertion criteria provided. Collection method: research. Allele origin: germline. Inheritance: Autosomal dominant inheritance. Affected: yes. Observed: 1 heterozygote.
Comment: In vitro analysis of Alg9 null cells, which models the proposed focal recessive genotype of cyst epithelium initiated by somatic mutations in dominantly inherited polycystic kidney and liver disease, demonstrated quantitatively decreased Polycystin-1 (PC1), as well as abnormal glycosylation of PC1. This finding could be rescued with expression of human ALG9 with wild-type or benign missense variants, but the p.R370K variant was unable to rescue, demonstrating that ALG9 p.R370K is dysfunctional, and pathogenic in the case of dominantly inherited polycystic kidney and liver disease. See Figure 1, Besse et al 2019.

Literature cited by the submitters: PubMed 31395617.